The following is an entry in ClinVar:

ClinVar aggregate classification (germline): Uncertain significance (1 of 4 stars; one submission).

Conditions:
Beckwith-Wiedemann syndrome (BWS). Also called: EMG SYNDROME; Exomphalos macroglossia gigantism syndrome. Identifiers: Orphanet 116, MedGen C0004903, MONDO:0007534, OMIM 130650.

Submission:

Labcorp Genetics (formerly Invitae), Labcorp
Classification: Uncertain significance for Beckwith-Wiedemann syndrome. Last evaluated: 2021-05-09. Review status: criteria provided, single submitter. Criteria: Invitae Variant Classification Sherloc (09022015). Collection method: clinical testing. Allele origin: germline.
Comment: This sequence change replaces lysine with glutamine at codon 278 of the CDKN1C protein (p.Lys278Gln). The lysine residue is highly conserved and there is a small physicochemical difference between lysine and glutamine. The frequency data for this variant in the population databases is considered unreliable, as metrics indicate insufficient coverage at this position in the ExAC database. This variant has not been reported in the literature in individuals with CDKN1C-related conditions. Algorithms developed to predict the effect of missense changes on protein structure and function output the following: SIFT: "Deleterious"; PolyPhen-2: "Not Available"; Align-GVGD: "Class C0". The glutamine amino acid residue is found in multiple mammalian species, suggesting that this missense change does not adversely affect protein function. These predictions have not been confirmed by published functional studies and their clinical significance is uncertain. In summary, the available evidence is currently insufficient to determine the role of this variant in disease. Therefore, it has been classified as a Variant of Uncertain Significance.

NM_001122630.2(CDKN1C):c.799A>C (p.Lys267Gln)

Gene: CDKN1C (cyclin dependent kinase inhibitor 1C; minus strand). Cytogenetic location: 11p15.4.
Variant type: single nucleotide variant.
Coding change: c.799A>C on transcript NM_001122630.2 (MANE Select); coding-DNA position 799, A replaced by C.
Protein change: p.Lys267Gln; replaces lysine 267 with glutamine.
Molecular consequence: missense variant. On other transcripts: synonymous variant (1).
Genome position (GRCh38, 1-based): chr11:2,884,123, T>G on the plus strand (A>C on the coding strand, the complement: CDKN1C is on the minus strand). VCF-style: chr11-2884123-T-G. GRCh37 (hg19) VCF-style: chr11-2905353-T-G.
Other names: c.832A>C, p.Lys278Gln (NM_000076.2, NM_001362474.2); c.799A>C, p.Lys267Gln (NM_001122631.2); c.267A>C, p.Pro89= (NM_001362475.2); short protein forms K267Q, K278Q.
Identifiers: ClinVar variation 1352538 (VCV001352538.8), dbSNP rs387907226, ClinGen allele CA379145122.